The following is an entry in ClinVar:

NM_152703.5(SAMD9L):c.2704G>C (p.Glu902Gln)

Gene: SAMD9L (sterile alpha motif domain containing 9 like; minus strand). Cytogenetic location: 7q21.2.
Variant type: single nucleotide variant.
Coding change: c.2704G>C on transcript NM_152703.5 (MANE Select); coding-DNA position 2704, G replaced by C.
Protein change: p.Glu902Gln; replaces glutamic acid 902 with glutamine.
Molecular consequence: missense variant.
Genome position (GRCh38, 1-based): chr7:93,133,268, C>G on the plus strand (G>C on the coding strand, the complement: SAMD9L is on the minus strand). VCF-style: chr7-93133268-C-G. GRCh37 (hg19) VCF-style: chr7-92762581-C-G.
Other names: c.2704G>C, p.Glu902Gln (NM_001303496.3, NM_001303497.3, NM_001303498.3 and 5 more transcripts); short protein forms E902Q.
Identifiers: ClinVar variation 2634007 (VCV002634007.1), dbSNP rs2535418153, ClinGen allele CA368186588.

ClinVar aggregate classification (germline): Uncertain significance (1 of 4 stars; one submission).

Conditions:
SAMD9L-related disorder. Also called: SAMD9L-related condition; SAMD9L-related disorders.

Submission:

PreventionGenetics, part of Exact Sciences
Classification: Uncertain significance for SAMD9L-related condition. Last evaluated: 2023-09-27. Review status: criteria provided, single submitter. Criteria: ACMG Guidelines, 2015. Collection method: clinical testing. Allele origin: germline.
Comment: The SAMD9L c.2704G>C variant is predicted to result in the amino acid substitution p.Glu902Gln. To our knowledge, this variant has not been reported in the literature or in a large population database, indicating this variant is rare. At this time, the clinical significance of this variant is uncertain due to the absence of conclusive functional and genetic evidence.